The following is an entry in ClinVar:

ClinVar aggregate classification (germline): Benign (1 of 4 stars; one submission).

Conditions:
Familial adenomatous polyposis 1 (FAP1). Also called: POLYPOSIS, ADENOMATOUS INTESTINAL; FAMILIAL ADENOMATOUS POLYPOSIS 1, ATTENUATED. Identifiers: MedGen C2713442, MONDO:0021056, OMIM 175100. Disease mechanism: loss of function.

Submission:

Myriad Genetics, Inc.
Classification: Benign for Familial adenomatous polyposis 1. Last evaluated: 2024-03-06. Review status: criteria provided, single submitter. Criteria: Myriad Autosomal Dominant, Autosomal Recessive and X-Linked Classification Criteria (2023). Collection method: clinical testing. Allele origin: unknown.
Comment: This variant is considered benign. This variant is a silent/synonymous amino acid change and it is not expected to impact splicing.

NM_000038.6(APC):c.1714T>C (p.Leu572=)

Gene: APC (APC regulator of Wnt signaling pathway; plus strand). Cytogenetic location: 5q22.2.
Variant type: single nucleotide variant.
Coding change: c.1714T>C on transcript NM_000038.6 (MANE Select); coding-DNA position 1714, T replaced by C.
Protein change: p.Leu572=; no amino-acid change (leucine 572 retained).
Molecular consequence: synonymous variant.
Genome position (GRCh38, 1-based): chr5:112,828,943, T>C. VCF-style: chr5-112828943-T-C. GRCh37 (hg19) VCF-style: chr5-112164640-T-C.
Other names: c.1714T>C, p.Leu572= (NM_001127510.3, NM_001354895.2, NM_001407450.1); c.1660T>C, p.Leu554= (NM_001127511.3); c.1768T>C, p.Leu590= (NM_001354896.2, NM_001407447.1, NM_001407448.1 and 1 more transcripts); c.1744T>C, p.Leu582= (NM_001354897.2); c.1639T>C, p.Leu547= (NM_001354898.2); c.1630T>C, p.Leu544= (NM_001354899.2); c.1591T>C, p.Leu531= (NM_001354900.2); c.1537T>C, p.Leu513= (NM_001354901.2, NM_001407453.1); and 11 more.
Identifiers: ClinVar variation 3148139 (VCV003148139.1), dbSNP rs2149818077, ClinGen allele CA445757423.